The following is an entry in ClinVar:

ClinVar aggregate classification (germline): Benign/Likely benign. Review status: criteria provided, multiple submitters, no conflicts (2 of 4 stars). 5 submissions from 5 submitters: Benign (2); Likely benign (3). Last evaluated 2026-04-01.

Conditions:
Early-infantile DEE. Also called: Early infantile epileptic encephalopathy; Ohtahara syndrome; Early infantile epileptic encephalopathy with suppression bursts. Identifiers: Orphanet 1934, MedGen C0393706, MONDO:0800491.
Inborn genetic diseases. Identifiers: MedGen C0950123, MeSH D030342.
Developmental and epileptic encephalopathy, 5 (DEE5). Identifiers: Orphanet 3451, MedGen C3150731, MONDO:0013277, OMIM 613477.

Allele frequency attached by ClinVar (database versions not stated): gnomAD exomes 0.00004 and 0.00009; ESP Exome Variant Server 0.00008; ExAC 0.00010; TOPMed 0.00010; gnomAD 0.00011 and 0.00012.
gnomAD v4.1: 79 of 1,613,902 alleles (0.0049%); highest among the groups gnomAD compares: African/African-American, 0.025%; no homozygotes.

Submissions (5):

CeGaT Center for Human Genetics Tuebingen
Classification: Likely benign. Last evaluated: 2026-04-01. Review status: criteria provided, single submitter. Criteria: CeGaT Center For Human Genetics Tuebingen Variant Classification Criteria Version 2. Collection method: clinical testing. Allele origin: germline. Affected: yes. Observed: 2 variant alleles.
Comment: SPTAN1: PP2, BP4, BS2

Labcorp Genetics (formerly Invitae), Labcorp
Classification: Benign for Early-infantile DEE. Last evaluated: 2026-01-28. Review status: criteria provided, single submitter. Criteria: Invitae Variant Classification Sherloc (09022015). Collection method: clinical testing. Allele origin: germline.

Genome-Nilou Lab
Classification: Benign for Developmental and epileptic encephalopathy, 5. Last evaluated: 2021-07-15. Review status: criteria provided, single submitter. Criteria: ACMG Guidelines, 2015. Collection method: clinical testing. Allele origin: germline. Affected: no.

GeneDx
Classification: Likely benign. Last evaluated: 2020-02-18. Review status: criteria provided, single submitter. Criteria: GeneDx Variant Classification Process June 2021. Collection method: clinical testing. Allele origin: germline. Affected: yes.

Ambry Genetics
Classification: Likely benign for Inborn genetic diseases. Last evaluated: 2018-03-16. Review status: criteria provided, single submitter. Criteria: Ambry Variant Classification Scheme 2023. Collection method: clinical testing. Allele origin: germline.

NM_001130438.3(SPTAN1):c.7366G>A (p.Gly2456Ser)

Gene: SPTAN1 (spectrin alpha, non-erythrocytic 1; plus strand). Cytogenetic location: 9q34.11.
Variant type: single nucleotide variant.
Coding change: c.7366G>A on transcript NM_001130438.3 (MANE Select); coding-DNA position 7366, G replaced by A.
Protein change: p.Gly2456Ser; replaces glycine 2456 with serine.
Molecular consequence: missense variant.
Genome position (GRCh38, 1-based): chr9:128,633,266, G>A. VCF-style: chr9-128633266-G-A. GRCh37 (hg19) VCF-style: chr9-131395545-G-A.
Other names: c.7291G>A, p.Gly2431Ser (NM_001195532.2); c.7429G>A, p.Gly2477Ser (NM_001363759.2); c.7306G>A, p.Gly2436Ser (NM_001363765.2); c.7351G>A, p.Gly2451Ser (NM_003127.4); short protein forms G2456S, G2436S, G2451S, G2477S, G2431S.
Identifiers: ClinVar variation 511088 (VCV000511088.21), dbSNP rs199866550, ClinGen allele CA5266092.
Genomic context (GRCh38, chr9:128,633,266, plus strand): 5'-CAGAACCTGACCCGGGAACAAGCCGACTACTGCGTCTCCCACATGAAGCCCTACGTGGAC[G>A]GCAAGGGCCGCGAGCTCCCCACCGCGTTCGACTACGTGGAGTTCACCCGCTCGCTTTTCG-3'
Protein context (NP_001123910.1, residues 2446-2466): CVSHMKPYVD[Gly2456Ser]KGRELPTAFD